The following is an entry in ClinVar:

NM_001267550.2(TTN):c.12218_12222dup (p.Val4075fs)

Gene: TTN (titin; minus strand). Cytogenetic location: 2q31.2.
Variant type: Duplication.
Coding change: c.12218_12222dup on transcript NM_001267550.2 (MANE Select); coding-DNA positions 12218 to 12222, 5 bases duplicated (CGTTT; older notation c.12218_12222dupCGTTT).
Protein change: p.Val4075fs; shifts the reading frame from valine 4075.
Molecular consequence: frameshift variant. On other transcripts: intron variant (1).
Genome position (GRCh38, 1-based): chr2:178,741,011-178,741,015, AAACG duplicated on the plus strand (CGTTT on the coding strand, the reverse complement: TTN is on the minus strand). VCF-style (leftmost placement, unchanged base first): chr2-178741010-C-CAAACG. GRCh37 (hg19) VCF-style: chr2-179605737-C-CAAACG.
Other names: c.11267_11271dup, p.Val3758fs (NM_001256850.1); c.11129_11133dup, p.Val3712fs (NM_003319.4); c.11504_11508dup, p.Val3837fs (NM_133432.3); c.11705_11709dup, p.Val3904fs (NM_133437.4); c.10361-2655_10361-2651dup (NM_133378.4); short protein forms V3758fs, V3904fs, V3712fs, V3837fs, V4075fs.
Identifiers: ClinVar variation 2953462 (VCV002953462.3), dbSNP rs2530694905, ClinGen allele CA2662153037.

ClinVar aggregate classification (germline): Likely pathogenic (1 of 4 stars; one submission).

Conditions:
Autosomal recessive limb-girdle muscular dystrophy type 2J (LGMDR10). Also called: Limb-girdle muscular dystrophy, type 2J; MUSCULAR DYSTROPHY, LIMB-GIRDLE, AUTOSOMAL RECESSIVE 10. Identifiers: Orphanet 140922, MedGen C1837342, MONDO:0012127, OMIM 608807.
Dilated cardiomyopathy 1G (CMD1G). Identifiers: Orphanet 154, MedGen C1858763, MONDO:0011400, OMIM 604145.

Submission:

Labcorp Genetics (formerly Invitae), Labcorp
Classification: Likely pathogenic for Dilated cardiomyopathy 1G; Autosomal recessive limb-girdle muscular dystrophy type 2J. Last evaluated: 2023-11-08. Review status: criteria provided, single submitter. Criteria: Invitae Variant Classification Sherloc (09022015). Collection method: clinical testing. Allele origin: germline.
Comment: This sequence change creates a premature translational stop signal (p.Val4075Argfs*3) in the TTN gene. While this is not anticipated to result in nonsense mediated decay, it is expected to create a truncated TTN protein. This variant is not present in population databases (gnomAD no frequency). This variant has not been reported in the literature in individuals affected with TTN-related conditions. This variant is located in the I band of TTN (PMID: 25589632). Truncating variants in this region have been reported in individuals affected with autosomal recessive centronuclear myopathy (PMID: 23975875). Truncating variants in this region have also been identified in individuals affected with autosomal dominant dilated cardiomyopathy and/or cardio-related conditions (PMID: 27869827, 32964742). In summary, the currently available evidence indicates that the variant is pathogenic, but additional data are needed to prove that conclusively. Therefore, this variant has been classified as Likely Pathogenic.

Literature cited by the submitters: PubMed 25589632; PubMed 23975875; PubMed 27869827; PubMed 32964742.